The following is an entry in ClinVar:

ClinVar aggregate classification (germline): Uncertain significance (0 of 4 stars; one submission).

Conditions:
Carcinoma of colon (CRC). Also called: Colonic carcinoma; Colon carcinoma. Identifiers: MedGen C0699790, MONDO:0002032.

Submission:

Immunobiology Lab; University of Kashmir
Classification: Uncertain significance for Carcinoma of colon. Last evaluated: 2015-01-24. Review status: no assertion criteria provided. Collection method: case-control. Allele origin: somatic. Affected: yes. Study: Mutational Hotspot profiling of Tyrosine Kinase domain of VEGF receptors in Human colorectal tumors.
Comment: The variation(s) were confirmed by double pass sequencing of PCR products amplified from genomic DNA of colonic lesions fron colorectal patients

NM_182925.5(FLT4):c.2519del (p.Phe840fs)

Genes: FLT4 (fms related receptor tyrosine kinase 4; minus strand), LOC126807632 (CDK7 strongly-dependent group 2 enhancer GRCh37_chr5:180046831-180048030; plus strand). Cytogenetic location: 5q35.3.
Variant type: Deletion.
Coding change: c.2519del on transcript NM_182925.5 (MANE Select); coding-DNA position 2519, one base deleted (T; older notation c.2519delT).
Protein change: p.Phe840fs; shifts the reading frame from phenylalanine 840.
Molecular consequence: frameshift variant.
Genome position (GRCh38, 1-based): chr5:180,620,196, A deleted on the plus strand (T on the coding strand, the reverse complement: FLT4 is on the minus strand); the first of 2 consecutive A bases (chr5:180,620,196-180,620,197); deleting either gives the same sequence. VCF-style (leftmost placement, unchanged base first): chr5-180620195-GA-G. GRCh37 (hg19) VCF-style: chr5-180047195-GA-G.
Other names: KM484811; c.2519del, p.Phe840fs (NM_001354989.2, NM_002020.5); short protein forms F840fs.
Identifiers: ClinVar variation 204342 (VCV000204342.3), dbSNP rs796052099, ClinGen allele CA251275.